The following is an entry in ClinVar:

NM_002497.4(NEK2):c.64_65del (p.Cys22fs)

Genes: NEK2 (NIMA related kinase 2; minus strand), LOC129932452 (ATAC-STARR-seq lymphoblastoid active region 2489; plus strand). Cytogenetic location: 1q32.3.
Variant type: Deletion.
Coding change: c.64_65del on transcript NM_002497.4 (MANE Select); coding-DNA positions 64 to 65, 2 bases deleted (TG; older notation c.64_65delTG).
Protein change: p.Cys22fs; shifts the reading frame from cysteine 22.
Molecular consequence: frameshift variant.
Genome position (GRCh38, 1-based): chr1:211,675,415-211,675,416, CA deleted on the plus strand (TG on the coding strand, the reverse complement: NEK2 is on the minus strand). VCF-style (leftmost placement, unchanged base first): chr1-211675414-GCA-G. GRCh37 (hg19) VCF-style: chr1-211848756-GCA-G.
Other names: c.64_65del, p.Cys22fs (NM_001204182.2, NM_001204183.2); short protein forms C22fs.
Identifiers: ClinVar variation 3605434 (VCV003605434.2).

ClinVar aggregate classification (germline): Uncertain significance (1 of 4 stars; one submission).

Submission:

Labcorp Genetics (formerly Invitae), Labcorp
Classification: Uncertain significance. Last evaluated: 2024-04-15. Review status: criteria provided, single submitter. Criteria: Invitae Variant Classification Sherloc (09022015). Collection method: clinical testing. Allele origin: germline.
Comment: This sequence change creates a premature translational stop signal (p.Cys22Profs*8) in the NEK2 gene. It is expected to result in an absent or disrupted protein product. However, the current clinical and genetic evidence is not sufficient to establish whether loss-of-function variants in NEK2 cause disease. The frequency data for this variant in the population databases is considered unreliable, as metrics indicate poor data quality at this position in the gnomAD database. This variant has not been reported in the literature in individuals affected with NEK2-related conditions. In summary, the available evidence is currently insufficient to determine the role of this variant in disease. Therefore, it has been classified as a Variant of Uncertain Significance.